The following is an entry in ClinVar:

ClinVar aggregate classification (germline): Uncertain significance (1 of 4 stars; one submission).

Conditions:
Glycogen storage disease, type II (IOPD). Also called: Pompe Disease; CARDIOMEGALIA GLYCOGENICA DIFFUSA; GLYCOGENOSIS, GENERALIZED, CARDIAC FORM; GSD II; POMPE DISEASE, INFANTILE-ONSET; GLYCOGEN STORAGE DISEASE II, INFANTILE-ONSET. Identifiers: Orphanet 365, MedGen C0017921, MONDO:0009290, OMIM 232300.

Submission:

Genomenon, Inc
Classification: Uncertain significance for Glycogen storage disease, type II. Last evaluated: 2026-07-01. Review status: criteria provided, single submitter. Criteria: Genomenon Sequence Variant Interpretation Standards - Updated. Collection method: curation. Allele origin: germline. Affected: no.
Comment: GAA p.Glu521Asp (c.1563G>C) is a missense variant that changes the amino acid at codon 521 from Glutamic acid to Aspartic acid. To our knowledge, this variant has not been reported in patients affected with a GAA-related disorder in the published literature. At least one functional study has demonstrated a substantial alteration in protein function relative to the wild-type (PMID:1898413). The presence of pathogenic/likely pathogenic missense variant(s) at the same amino acid position indicates that this residue is likely important for protein function. It is absent or not present at a significant frequency in gnomAD. In silico models predict that this variant is possibly or probably damaging. In conclusion, we classify GAA p.Glu521Asp (c.1563G>C) as a variant of uncertain significance.

Literature cited by the submitters: PubMed 1898413.

NM_000152.5(GAA):c.1563G>C (p.Glu521Asp)

Gene: GAA (alpha glucosidase; plus strand). Cytogenetic location: 17q25.3.
Variant type: single nucleotide variant.
Coding change: c.1563G>C on transcript NM_000152.5 (MANE Select); coding-DNA position 1563, G replaced by C.
Protein change: p.Glu521Asp; replaces glutamic acid 521 with aspartic acid.
Molecular consequence: missense variant.
Genome position (GRCh38, 1-based): chr17:80,110,952, G>C. VCF-style: chr17-80110952-G-C. GRCh37 (hg19) VCF-style: chr17-78084751-G-C.
Other names: c.1563G>C, p.Glu521Asp (NM_001079803.3, NM_001079804.3, NM_001406741.1 and 1 more transcripts); short protein forms E521D.
Identifiers: ClinVar variation 4876483 (VCV004876483.1).